The following is an entry in ClinVar:

NM_173477.5(USH1G):c.1306C>T (p.Arg436Ter)

Genes: USH1G (USH1 protein network component sans; minus strand), LOC130061627 (ATAC-STARR-seq lymphoblastoid active region 12722; plus strand). Cytogenetic location: 17q25.1.
Variant type: single nucleotide variant.
Coding change: c.1306C>T on transcript NM_173477.5 (MANE Select); coding-DNA position 1306, C replaced by T.
Protein change: p.Arg436Ter; replaces arginine 436 with a stop codon.
Molecular consequence: nonsense.
Genome position (GRCh38, 1-based): chr17:74,919,530, G>A on the plus strand (C>T on the coding strand, the complement: USH1G is on the minus strand). VCF-style: chr17-74919530-G-A. GRCh37 (hg19) VCF-style: chr17-72915625-G-A.
Other names: c.997C>T, p.Arg333Ter (NM_001282489.3); short protein forms R333*, R436*.
Identifiers: ClinVar variation 1335982 (VCV001335982.4), dbSNP rs755908331, ClinGen allele CA400961227.

ClinVar aggregate classification (germline): Likely pathogenic (1 of 4 stars; one submission).

Submission:

Genetic Services Laboratory, University of Chicago
Classification: Likely pathogenic. Last evaluated: 2020-02-17. Review status: criteria provided, single submitter. Criteria: ACMG Guidelines, 2015. Collection method: clinical testing. Allele origin: germline. Affected: yes.
Comment: DNA sequence analysis of the USH1G gene demonstrated a sequence change, c.1306C>T, exon 2 which results in the creation of a premature stop codon at amino acid position 436, p.Arg436*. This likely pathogenic sequence change is predicted to result in an abnormal transcript, which may be degraded, or may lead to the production of a truncated USH1G protein with potentially abnormal function. The p.Arg436* change has been described in the gnomAD database in one individual. While this sequence change has not previously been described in the literature, other upstream truncating mutations in the USH1G gene have been described in patients with USH1G-related disorders (PMIDs: 25404053, 27460420). These collective evidences indicate that this sequence change is likely pathogenic; however functional studies have not been performed to prove this conclusively.